The following is an entry in ClinVar:

ClinVar aggregate classification (germline): Uncertain significance (1 of 4 stars; one submission).

Conditions:
Inborn genetic diseases. Identifiers: MedGen C0950123, MeSH D030342.

Submission:

Ambry Genetics
Classification: Uncertain significance for Inborn genetic diseases. Last evaluated: 2026-09-09. Review status: criteria provided, single submitter. Criteria: Ambry Variant Classification Scheme 2023. Collection method: clinical testing. Allele origin: germline.
Comment: The p.P253S variant (also known as c.757C>T), located in coding exon 5 of the ELANE gene, results from a C to T substitution at nucleotide position 757. The proline at codon 253 is replaced by serine, an amino acid with similar properties. This amino acid position is conserved. In addition, this alteration is predicted to be tolerated by in silico analysis. Based on the available evidence, the clinical significance of this variant remains unclear.

NM_001972.4(ELANE):c.757C>T (p.Pro253Ser)

Gene: ELANE (elastase, neutrophil expressed; plus strand). Cytogenetic location: 19p13.3.
Variant type: single nucleotide variant.
Coding change: c.757C>T on transcript NM_001972.4 (MANE Select); coding-DNA position 757, C replaced by T.
Protein change: p.Pro253Ser; replaces proline 253 with serine.
Molecular consequence: missense variant.
Genome position (GRCh38, 1-based): chr19:856,117, C>T. VCF-style: chr19-856117-C-T. GRCh37 (hg19) VCF-style: chr19-856117-C-T.
Other names: short protein forms P253S.
Identifiers: ClinVar variation 5035912 (VCV005035912.1).
Genomic context (GRCh38, chr19:856,117, plus strand): 5'-GCCCCGGTGGCACAGTTTGTAAACTGGATCGACTCTATCATCCAACGCTCCGAGGACAAC[C>T]CCTGTCCCCACCCCCGGGACCCGGACCCGGCCAGCAGGACCCACTGAGAAGGGCTGCCCG-3'
Protein context (NP_001963.1, residues 243-263): DSIIQRSEDN[Pro253Ser]CPHPRDPDPA